The following is an entry in ClinVar:

NM_001320.7(CSNK2B):c.91C>T (p.Gln31Ter)

Gene: CSNK2B (casein kinase 2 beta; plus strand). Cytogenetic location: 6p21.33.
Variant type: single nucleotide variant.
Coding change: c.91C>T on transcript NM_001320.7 (MANE Select); coding-DNA position 91, C replaced by T.
Protein change: p.Gln31Ter; replaces glutamine 31 with a stop codon.
Molecular consequence: nonsense.
Genome position (GRCh38, 1-based): chr6:31,667,886, C>T. VCF-style: chr6-31667886-C-T. GRCh37 (hg19) VCF-style: chr6-31635663-C-T.
Other names: c.91C>T, p.Gln31Ter (NM_001282385.2); c.91C>T (NM_001320.6); short protein forms Q31*.
Identifiers: ClinVar variation 1065509 (VCV001065509.3), dbSNP rs2151185359, ClinGen allele CA363471792.

ClinVar aggregate classification (germline): Pathogenic. Review status: criteria provided, multiple submitters, no conflicts (2 of 4 stars). 2 submissions from 2 submitters: Pathogenic (2). Last evaluated 2025-01-14.

Conditions:
Poirier-Bienvenu neurodevelopmental syndrome (POBINDS). Identifiers: Orphanet 689397, MedGen C5231482, MONDO:0032889, OMIM 618732.

Submissions (2):

GeneDx
Classification: Pathogenic. Last evaluated: 2025-01-14. Review status: criteria provided, single submitter. Criteria: GeneDx Variant Classification Process June 2021. Collection method: clinical testing. Allele origin: germline. Affected: yes.
Comment: Reported previously as a pathogenic variant in the heterozygous state in a proband from a cohort of patients with multiple congenital anomalies and/or neurocognitive disabilities; detailed clinical information and segregation was not provided (PMID: 37236975); Nonsense variant predicted to result in protein truncation or nonsense mediated decay in a gene for which loss of function is a known mechanism of disease; Not observed at significant frequency in large population cohorts (gnomAD); This variant is associated with the following publications: (PMID: 37236975)

Genomic Medicine Lab, University of California San Francisco
Classification: Pathogenic for Poirier-Bienvenu neurodevelopmental syndrome. Last evaluated: 2020-12-03. Review status: criteria provided, single submitter. Criteria: ACMG Guidelines, 2015. Collection method: clinical testing. Allele origin: unknown. Inheritance: Autosomal dominant inheritance. Affected: yes. Study: CSER-P3EGS.